The following is an entry in ClinVar:

ClinVar aggregate classification (germline): Benign/Likely benign. Review status: criteria provided, multiple submitters, no conflicts (2 of 4 stars). 3 submissions from 3 submitters: Benign (1); Likely benign (2). Last evaluated 2022-02-28.

Conditions:
Hereditary cancer-predisposing syndrome. Also called: Tumor predisposition; Neoplastic Syndromes, Hereditary; Hereditary neoplastic syndrome; Hereditary Cancer Syndrome. Identifiers: Orphanet 140162, MedGen C0027672, MeSH D009386, MONDO:0015356.

Allele frequency attached by ClinVar (database versions not stated): gnomAD 0.00001; gnomAD exomes 0.00001 and 0.00002; TOPMed 0.00001; ExAC 0.00002.
gnomAD v4.1: 23 of 1,581,440 alleles (0.0015%); highest among the groups gnomAD compares: Non-Finnish European, 0.0019%; no homozygotes.

Submissions (3):

Blueprint Genetics
Classification: Likely benign. Last evaluated: 2022-02-28. Review status: criteria provided, single submitter. Criteria: ACMG Guidelines, 2015. Collection method: clinical testing. Allele origin: germline.

Color Diagnostics, LLC DBA Color Health
Classification: Likely benign for Hereditary cancer-predisposing syndrome. Last evaluated: 2017-09-22. Review status: criteria provided, single submitter. Criteria: ACMG Guidelines, 2015. Collection method: clinical testing. Allele origin: germline.

GeneDx
Classification: Benign. Last evaluated: 2014-08-16. Review status: criteria provided, single submitter. Criteria: GeneDx Variant Classification (06012015). Collection method: clinical testing. Allele origin: germline. Affected: yes.
Comment: This variant is considered likely benign or benign based on one or more of the following criteria: it is a conservative change, it occurs at a poorly conserved position in the protein, it is predicted to be benign by multiple in silico algorithms, and/or has population frequency not consistent with disease.

NM_000179.3(MSH6):c.4002-19T>C

Gene: MSH6 (mutS homolog 6; plus strand). Cytogenetic location: 2p16.3.
Variant type: single nucleotide variant.
Coding change: c.4002-19T>C on transcript NM_000179.3 (MANE Select); 19 bases into the intron before coding-DNA position 4002, T replaced by C.
Molecular consequence: intron variant.
Genome position (GRCh38, 1-based): chr2:47,806,760, T>C. VCF-style: chr2-47806760-T-C. GRCh37 (hg19) VCF-style: chr2-48033899-T-C.
Other names: c.3096-19T>C (NM_001281493.2, NM_001281494.2); c.3612-19T>C (NM_001281492.2).
Identifiers: ClinVar variation 182673 (VCV000182673.4), dbSNP rs730881821, ClinGen allele CA015265.